The following is an entry in ClinVar:

NM_001134232.2(TMEM106B):c.128G>A (p.Gly43Glu)

Gene: TMEM106B (transmembrane protein 106B; plus strand). Cytogenetic location: 7p21.3.
Variant type: single nucleotide variant.
Coding change: c.128G>A on transcript NM_001134232.2 (MANE Select); coding-DNA position 128, G replaced by A.
Protein change: p.Gly43Glu; replaces glycine 43 with glutamic acid.
Molecular consequence: missense variant.
Genome position (GRCh38, 1-based): chr7:12,214,938, G>A. VCF-style: chr7-12214938-G-A. GRCh37 (hg19) VCF-style: chr7-12254564-G-A.
Other names: c.128G>A, p.Gly43Glu (NM_018374.4); short protein forms G43E.
Identifiers: ClinVar variation 2980157 (VCV002980157.3), dbSNP rs137861973, ClinGen allele CA366853715.
Genomic context (GRCh38, chr7:12,214,938, plus strand): 5'-CTGAAAACATGAGGAATGGACTGGTTAATAGTGAAGTCCATAATGAAGATGGAAGAAATG[G>A]AGATGTCTCTCAGTTTCCATATGTGGAATTTACAGGAAGAGATAGTGTCACCTGCCCTAC-3'
Protein context (NP_001127704.1, residues 33-53): SEVHNEDGRN[Gly43Glu]DVSQFPYVEF

ClinVar aggregate classification (germline): Uncertain significance (1 of 4 stars; one submission).

Submission:

Labcorp Genetics (formerly Invitae), Labcorp
Classification: Uncertain significance. Last evaluated: 2025-02-03. Review status: criteria provided, single submitter. Criteria: Invitae Variant Classification Sherloc (09022015). Collection method: clinical testing. Allele origin: germline.
Comment: This sequence change replaces glycine, which is neutral and non-polar, with glutamic acid, which is acidic and polar, at codon 43 of the TMEM106B protein (p.Gly43Glu). This variant is not present in population databases (gnomAD no frequency). This variant has not been reported in the literature in individuals affected with TMEM106B-related conditions. ClinVar contains an entry for this variant (Variation ID: 2980157). Invitae Evidence Modeling of protein sequence and biophysical properties (such as structural, functional, and spatial information, amino acid conservation, physicochemical variation, residue mobility, and thermodynamic stability) indicates that this missense variant is not expected to disrupt TMEM106B protein function with a negative predictive value of 80%. In summary, the available evidence is currently insufficient to determine the role of this variant in disease. Therefore, it has been classified as a Variant of Uncertain Significance.